The following is an entry in ClinVar:

NM_002875.5(RAD51):c.980T>G (p.Phe327Cys)

Gene: RAD51 (RAD51 recombinase; plus strand). Cytogenetic location: 15q15.1.
Variant type: single nucleotide variant.
Coding change: c.980T>G on transcript NM_002875.5 (MANE Select); coding-DNA position 980, T replaced by G.
Protein change: p.Phe327Cys; replaces phenylalanine 327 with cysteine.
Molecular consequence: missense variant. On other transcripts: 3 prime UTR variant (1).
Genome position (GRCh38, 1-based): chr15:40,731,138, T>G. VCF-style: chr15-40731138-T-G. GRCh37 (hg19) VCF-style: chr15-41023336-T-G.
Other names: c.983T>G, p.Phe328Cys (NM_001164269.2, NM_133487.4); c.*15T>G (NM_001164270.2); short protein forms F327C, F328C.
Identifiers: ClinVar variation 2450860 (VCV002450860.2), dbSNP rs2504537985, ClinGen allele CA391761126.
Genomic context (GRCh38, chr15:40,731,138, plus strand): 5'-GGGAAACCAGAATCTGCAAAATCTACGACTCTCCCTGTCTTCCTGAAGCTGAAGCTATGT[T>G]CGCCATTAATGCAGATGGAGTGGGAGATGCCAAAGACTGAATCATTGGGTTTTTCCTCTG-3'
Protein context (NP_002866.2, residues 317-337): SPCLPEAEAM[Phe327Cys]AINADGVGDA

ClinVar aggregate classification (germline): Uncertain significance (1 of 4 stars; one submission).

Conditions:
Inborn genetic diseases. Identifiers: MedGen C0950123, MeSH D030342.

Allele frequency attached by ClinVar (database versions not stated): gnomAD exomes below 0.00001.
gnomAD v4.1: 1 of 1,614,136 alleles (0.000062%); highest among the groups gnomAD compares: Non-Finnish European, 0.000085%; no homozygotes.

Submission:

Ambry Genetics
Classification: Uncertain significance for Inborn genetic diseases. Last evaluated: 2023-02-15. Review status: criteria provided, single submitter. Criteria: Ambry Variant Classification Scheme 2023. Collection method: clinical testing. Allele origin: germline.
Comment: The p.F327C variant (also known as c.980T>G), located in coding exon 9 of the RAD51 gene, results from a T to G substitution at nucleotide position 980. The phenylalanine at codon 327 is replaced by cysteine, an amino acid with highly dissimilar properties. This amino acid position is conserved. In addition, this alteration is predicted to be deleterious by in silico analysis. Since supporting evidence is limited at this time, the clinical significance of this alteration remains unclear.